The following is an entry in ClinVar:

ClinVar aggregate classification (germline): Uncertain significance (1 of 4 stars; one submission).

Submission:

Labcorp Genetics (formerly Invitae), Labcorp
Classification: Uncertain significance. Last evaluated: 2021-07-13. Review status: criteria provided, single submitter. Criteria: Invitae Variant Classification Sherloc (09022015). Collection method: clinical testing. Allele origin: germline.
Comment: This variant has not been reported in the literature in individuals affected with LZTR1-related conditions. Algorithms developed to predict the effect of missense changes on protein structure and function (SIFT, PolyPhen-2, Align-GVGD) all suggest that this variant is likely to be tolerated. In summary, the available evidence is currently insufficient to determine the role of this variant in disease. Therefore, it has been classified as a Variant of Uncertain Significance. This variant is not present in population databases (ExAC no frequency). This sequence change replaces glutamic acid with aspartic acid at codon 479 of the LZTR1 protein (p.Glu479Asp). The glutamic acid residue is highly conserved and there is a small physicochemical difference between glutamic acid and aspartic acid.

NM_006767.4(LZTR1):c.1437G>T (p.Glu479Asp)

Gene: LZTR1 (leucine zipper like post translational regulator 1; plus strand). Cytogenetic location: 22q11.21.
Variant type: single nucleotide variant.
Coding change: c.1437G>T on transcript NM_006767.4 (MANE Select); coding-DNA position 1437, G replaced by T.
Protein change: p.Glu479Asp; replaces glutamic acid 479 with aspartic acid.
Molecular consequence: missense variant.
Genome position (GRCh38, 1-based): chr22:20,994,007, G>T. VCF-style: chr22-20994007-G-T. GRCh37 (hg19) VCF-style: chr22-21348296-G-T.
Other names: short protein forms E479D.
Identifiers: ClinVar variation 1405359 (VCV001405359.8), dbSNP rs2147967113, ClinGen allele CA410775332.